The following is an entry in ClinVar:

ClinVar aggregate classification (germline): Uncertain significance. Review status: criteria provided, multiple submitters, no conflicts (2 of 4 stars). 3 submissions from 3 submitters: Uncertain significance (3). Last evaluated 2021-10-04.

Conditions:
Hereditary cancer-predisposing syndrome. Also called: Hereditary neoplastic syndrome; Neoplastic Syndromes, Hereditary; Tumor predisposition; Hereditary Cancer Syndrome. Identifiers: Orphanet 140162, MedGen C0027672, MeSH D009386, MONDO:0015356.

Submissions (3):

Women's Health and Genetics/Laboratory Corporation of America, LabCorp
Classification: Uncertain significance. Last evaluated: 2021-10-04. Review status: criteria provided, single submitter. Criteria: LabCorp Variant Classification Summary - May 2015. Collection method: clinical testing. Allele origin: germline.
Comment: Variant summary: ATM c.1673G>T (p.Gly558Val) results in a non-conservative amino acid change in the encoded protein sequence. Three of five in-silico tools predict a damaging effect of the variant on protein function. The variant was absent in 251310 control chromosomes. The available data on variant occurrences in the general population are insufficient to allow any conclusion about variant significance. To our knowledge, no occurrence of c.1673G>T in individuals affected with Ataxia-Telangiectasia and no experimental evidence demonstrating its impact on protein function have been reported. Two clinical diagnostic laboratories have submitted clinical-significance assessments for this variant to ClinVar after 2014 without evidence for independent evaluation. All laboratories classified the variant as uncertain significance. Based on the evidence outlined above, the variant was classified as uncertain significance.

Ambry Genetics
Classification: Uncertain significance for Hereditary cancer-predisposing syndrome. Last evaluated: 2017-08-17. Review status: criteria provided, single submitter. Criteria: Ambry Variant Classification Scheme 2023. Collection method: clinical testing. Allele origin: germline.
Comment: The p.G558V variant (also known as c.1673G>T), located in coding exon 10 of the ATM gene, results from a G to T substitution at nucleotide position 1673. The glycine at codon 558 is replaced by valine, an amino acid with dissimilar properties. This amino acid position is well conserved in available vertebrate species. In addition, the in silico prediction for this alteration is inconclusive. Since supporting evidence is limited at this time, the clinical significance of this alteration remains unclear.

GeneDx
Classification: Uncertain significance. Last evaluated: 2016-07-06. Review status: criteria provided, single submitter. Criteria: GeneDx Variant Classification (06012015). Collection method: clinical testing. Allele origin: germline. Affected: yes.
Comment: This variant is denoted ATM c.1673G>T at the cDNA level, p.Gly558Val (G558V) at the protein level, and results in the change of a Glycine to a Valine (GGA>GTA). This variant has not, to our knowledge, been published in the literature as pathogenic or benign. ATM Gly558Val was not observed in approximately 6,500 individuals of European and African American ancestry in the NHLBI Exome Sequencing Project, suggesting it is not a common benign variant in these populations. Since Glycine and Valine share similar properties, this is considered a conservative amino acid substitution. ATM Gly558Val occurs at a position that is not conserved and is not located in a known functional domain (Tavtigian 2009, Stracker 2013). While protein-based in silico analyses are inconsistent regarding the effect this variant may have on protein structure and function, multiple splicing models predict that this variant may create a new cryptic splice donor site and lead to abnormal splicing. However, in the absence of RNA or functional studies, the actual effect of this variant is unknown. Based on currently available evidence, it is unclear whether ATM Gly558Val is a pathogenic or benign variant. We consider it to be a variant of uncertain significance.

NM_000051.4(ATM):c.1673G>T (p.Gly558Val)

Gene: ATM (ATM serine/threonine kinase; plus strand). Cytogenetic location: 11q22.3.
Variant type: single nucleotide variant.
Coding change: c.1673G>T on transcript NM_000051.4 (MANE Select); coding-DNA position 1673, G replaced by T.
Protein change: p.Gly558Val; replaces glycine 558 with valine.
Molecular consequence: missense variant.
Genome position (GRCh38, 1-based): chr11:108,251,902, G>T. VCF-style: chr11-108251902-G-T. GRCh37 (hg19) VCF-style: chr11-108122629-G-T.
Other names: c.1673G>T, p.Gly558Val (NM_001351834.2); short protein forms G558V.
Identifiers: ClinVar variation 421624 (VCV000421624.7), dbSNP rs1064795257, ClinGen allele CA16619122.